The following is an entry in ClinVar:

NM_001378120.1(MBD5):c.1321T>C (p.Ser441Pro)

Gene: MBD5 (methyl-CpG binding domain protein 5; plus strand). Cytogenetic location: 2q23.1.
Variant type: single nucleotide variant.
Coding change: c.1321T>C on transcript NM_001378120.1 (MANE Select); coding-DNA position 1321, T replaced by C.
Protein change: p.Ser441Pro; replaces serine 441 with proline.
Molecular consequence: missense variant.
Genome position (GRCh38, 1-based): chr2:148,469,264, T>C. VCF-style: chr2-148469264-T-C. GRCh37 (hg19) VCF-style: chr2-149226833-T-C.
Other names: c.1321T>C, p.Ser441Pro (NM_018328.5); short protein forms S441P.
Identifiers: ClinVar variation 2758485 (VCV002758485.3), dbSNP rs2469863867, ClinGen allele CA348719443.
Genomic context (GRCh38, chr2:148,469,264, plus strand): 5'-AGTCATGTACAAAGAGTTCAGCATTCAGCTTCAACCTCCCTGTCCCCTTCTCCAGTGACA[T>C]CCCCCGTGCACATGATGGGGACTGGAATTGGAAGGATTGAGGCATCGCCCCAAAGATCAC-3'
Protein context (NP_001365049.1, residues 431-451): STSLSPSPVT[Ser441Pro]PVHMMGTGIG

ClinVar aggregate classification (germline): Uncertain significance (1 of 4 stars; one submission).

Conditions:
Intellectual developmental disorder, autosomal dominant 1. Also called: Intellectual disability, autosomal dominant 1; MBD5 Haploinsufficiency. Identifiers: Orphanet 228402, MedGen C1969562, MONDO:0007974, OMIM 156200.

Submission:

Labcorp Genetics (formerly Invitae), Labcorp
Classification: Uncertain significance for Intellectual developmental disorder, autosomal dominant 1. Last evaluated: 2023-09-06. Review status: criteria provided, single submitter. Criteria: Invitae Variant Classification Sherloc (09022015). Collection method: clinical testing. Allele origin: germline.
Comment: This sequence change replaces serine, which is neutral and polar, with proline, which is neutral and non-polar, at codon 441 of the MBD5 protein (p.Ser441Pro). This variant is not present in population databases (gnomAD no frequency). This variant has not been reported in the literature in individuals affected with MBD5-related conditions. Advanced modeling of protein sequence and biophysical properties (such as structural, functional, and spatial information, amino acid conservation, physicochemical variation, residue mobility, and thermodynamic stability) has been performed at Invitae for this missense variant, however the output from this modeling did not meet the statistical confidence thresholds required to predict the impact of this variant on MBD5 protein function. In summary, the available evidence is currently insufficient to determine the role of this variant in disease. Therefore, it has been classified as a Variant of Uncertain Significance.